The following is an entry in ClinVar:

NM_000404.4(GLB1):c.1576_1583dup (p.His529fs)

Gene: GLB1 (galactosidase beta 1; minus strand). Cytogenetic location: 3p22.3.
Variant type: Duplication.
Coding change: c.1576_1583dup on transcript NM_000404.4 (MANE Select); coding-DNA positions 1576 to 1583, 8 bases duplicated (GGCTGGGG; older notation c.1576_1583dupGGCTGGGG).
Protein change: p.His529fs; shifts the reading frame from histidine 529.
Molecular consequence: frameshift variant.
Genome position (GRCh38, 1-based): chr3:33,014,207-33,014,214, CCCCAGCC duplicated on the plus strand (GGCTGGGG on the coding strand, the reverse complement: GLB1 is on the minus strand); duplicating any 8 consecutive bases within chr3:33,014,207-33,014,220 gives the same sequence; the c. name uses the placement nearest the transcript's 3' end. VCF-style (leftmost placement, unchanged base first): chr3-33014206-T-TCCCCAGCC. GRCh37 (hg19) VCF-style: chr3-33055698-T-TCCCCAGCC.
Other names: c.1486_1493dup, p.His499fs (NM_001079811.3); c.1183_1190dup, p.His398fs (NM_001135602.3); c.1720_1727dup, p.His577fs (NM_001317040.2); c.1576_1583dup, p.His529fs (NM_001393580.1); short protein forms H398fs, H577fs, H499fs, H529fs.
Identifiers: ClinVar variation 1378674 (VCV001378674.6), dbSNP rs2125463306, ClinGen allele CA2573136205.

ClinVar aggregate classification (germline): Pathogenic (1 of 4 stars; one submission).

Conditions:
Mucopolysaccharidosis, MPS-IV-B (MPS4B). Also called: MORQUIO SYNDROME B; Mucopolysaccharidosis Type IVB (Morquio B Disease); Mucopolysaccharidosis type 4B; Mucopolysaccharidosis type IVB (Morquio); MPS IVB; Mucopolysaccharidosis type IV B. Identifiers: Orphanet 309310, Orphanet 582, MedGen C0086652, MONDO:0009660, OMIM 253010.
GM1 gangliosidosis. Identifiers: Orphanet 354, MedGen C0085131, MONDO:0018149.

Submission:

Labcorp Genetics (formerly Invitae), Labcorp
Classification: Pathogenic for Mucopolysaccharidosis, MPS-IV-B; GM1 gangliosidosis. Last evaluated: 2021-08-27. Review status: criteria provided, single submitter. Criteria: Invitae Variant Classification Sherloc (09022015). Collection method: clinical testing. Allele origin: germline.
Comment: This variant disrupts a region of the GLB1 protein in which other variant(s) (p.Arg590Cys) have been determined to be pathogenic (PMID: 16941474, 17309651, 17664528, 23430803). This suggests that this is a clinically significant region of the protein, and that variants that disrupt it are likely to be disease-causing. For these reasons, this variant has been classified as Pathogenic. This sequence change creates a premature translational stop signal (p.His529Alafs*74) in the GLB1 gene. While this is not anticipated to result in nonsense mediated decay, it is expected to disrupt the last 149 amino acid(s) of the GLB1 protein. This variant is not present in population databases (ExAC no frequency). This variant has not been reported in the literature in individuals affected with GLB1-related conditions.

Literature cited by the submitters: PubMed 16941474; PubMed 17309651; PubMed 17664528; PubMed 23430803.